The following is an entry in ClinVar:

ClinVar aggregate classification (germline): Uncertain significance. Review status: criteria provided, multiple submitters, no conflicts (2 of 4 stars). 3 submissions from 3 submitters: Uncertain significance (3). Last evaluated 2026-04-16.

Conditions:
Inborn genetic diseases. Identifiers: MedGen C0950123, MeSH D030342.
MKS1-related disorder. Also called: MKS1-related disorders; MKS1-related condition. Identifiers: MedGen CN239382.
Joubert syndrome. Also called: Familial aplasia of the vermis; JOUBERT-BOLTSHAUSER SYNDROME. Identifiers: Orphanet 475, MedGen C5979921, MONDO:0018772.
Meckel-Gruber syndrome. Also called: Dysencephalia splachnocystica; DYSENCEPHALIA SPLANCHNOCYSTICA; GRUBER SYNDROME. Identifiers: Orphanet 564, MedGen C0265215, MONDO:0018921.

Allele frequency attached by ClinVar (database versions not stated): gnomAD exomes below 0.00001 and 0.00001; ExAC 0.00001; TOPMed 0.00005.
gnomAD v4.1: 14 of 1,613,904 alleles (0.00087%); highest among the groups gnomAD compares: African/African-American, 0.0027%; no homozygotes.

Submissions (3):

PreventionGenetics, part of Exact Sciences
Classification: Uncertain significance for MKS1-related condition. Last evaluated: 2026-04-16. Review status: criteria provided, single submitter. Criteria: ACMG Guidelines, 2015. Collection method: clinical testing. Allele origin: germline.
Comment: The MKS1 c.800A>G variant is predicted to result in the amino acid substitution p.Asn267Ser. To our knowledge, this variant has not been reported in the literature. This variant is reported in 0.0041% of alleles in individuals of African descent in gnomAD. At this time, the clinical significance of this variant is uncertain due to the absence of conclusive functional and genetic evidence.

Ambry Genetics
Classification: Uncertain significance for Inborn genetic diseases. Last evaluated: 2023-12-14. Review status: criteria provided, single submitter. Criteria: Ambry Variant Classification Scheme 2023. Collection method: clinical testing. Allele origin: germline.

Labcorp Genetics (formerly Invitae), Labcorp
Classification: Uncertain significance for Joubert syndrome; Meckel-Gruber syndrome. Last evaluated: 2022-07-26. Review status: criteria provided, single submitter. Criteria: Invitae Variant Classification Sherloc (09022015). Collection method: clinical testing. Allele origin: germline.
Comment: This sequence change replaces asparagine, which is neutral and polar, with serine, which is neutral and polar, at codon 267 of the MKS1 protein (p.Asn267Ser). This variant is present in population databases (rs757032985, gnomAD 0.004%). This variant has not been reported in the literature in individuals affected with MKS1-related conditions. ClinVar contains an entry for this variant (Variation ID: 1475176). Advanced modeling of protein sequence and biophysical properties (such as structural, functional, and spatial information, amino acid conservation, physicochemical variation, residue mobility, and thermodynamic stability) performed at Invitae indicates that this missense variant is not expected to disrupt MKS1 protein function. In summary, the available evidence is currently insufficient to determine the role of this variant in disease. Therefore, it has been classified as a Variant of Uncertain Significance.

NM_017777.4(MKS1):c.800A>G (p.Asn267Ser)

Gene: MKS1 (MKS transition zone complex subunit 1; minus strand). Cytogenetic location: 17q22.
Variant type: single nucleotide variant.
Coding change: c.800A>G on transcript NM_017777.4 (MANE Select); coding-DNA position 800, A replaced by G.
Protein change: p.Asn267Ser; replaces asparagine 267 with serine.
Molecular consequence: missense variant.
Genome position (GRCh38, 1-based): chr17:58,213,040, T>C on the plus strand (A>G on the coding strand, the complement: MKS1 is on the minus strand). VCF-style: chr17-58213040-T-C. GRCh37 (hg19) VCF-style: chr17-56290401-T-C.
Other names: c.800A>G (NM_017777.3); c.191A>G, p.Asn64Ser (NM_001321268.2); c.800A>G, p.Asn267Ser (NM_001321269.2, NM_001330397.2); short protein forms N64S, N267S.
Identifiers: ClinVar variation 1475176 (VCV001475176.7), dbSNP rs757032985, ClinGen allele CA8669407.